The following is an entry in ClinVar:

NM_002109.6(HARS1):c.888G>T (p.Leu296Phe)

Gene: HARS1 (histidyl-tRNA synthetase 1; minus strand). Cytogenetic location: 5q31.3.
Variant type: single nucleotide variant.
Coding change: c.888G>T on transcript NM_002109.6 (MANE Select); coding-DNA position 888, G replaced by T.
Protein change: p.Leu296Phe; replaces leucine 296 with phenylalanine.
Molecular consequence: missense variant.
Genome position (GRCh38, 1-based): chr5:140,677,052, C>A on the plus strand (G>T on the coding strand, the complement: HARS1 is on the minus strand). VCF-style: chr5-140677052-C-A. GRCh37 (hg19) VCF-style: chr5-140056637-C-A.
Other names: c.768G>T, p.Leu256Phe (NM_001258040.3); c.828G>T, p.Leu276Phe (NM_001258041.3); c.708G>T, p.Leu236Phe (NM_001258042.3); c.666G>T, p.Leu222Phe (NM_001289092.2); c.546G>T, p.Leu182Phe (NM_001289093.2); c.801G>T, p.Leu267Phe (NM_001289094.2); short protein forms L222F, L276F, L182F, L267F, L236F, L296F, L256F.
Identifiers: ClinVar variation 2839114 (VCV002839114.3), dbSNP rs2481249523, ClinGen allele CA361252858.

ClinVar aggregate classification (germline): Uncertain significance (1 of 4 stars; one submission).

Conditions:
Usher syndrome type 3B. Also called: USHER SYNDROME, TYPE IIIB. Identifiers: MedGen C3281066, MONDO:0013788, OMIM 614504.

Submission:

Labcorp Genetics (formerly Invitae), Labcorp
Classification: Uncertain significance for Usher syndrome type 3B. Last evaluated: 2023-02-20. Review status: criteria provided, single submitter. Criteria: Invitae Variant Classification Sherloc (09022015). Collection method: clinical testing. Allele origin: germline.
Comment: In summary, the available evidence is currently insufficient to determine the role of this variant in disease. Therefore, it has been classified as a Variant of Uncertain Significance. Advanced modeling of protein sequence and biophysical properties (such as structural, functional, and spatial information, amino acid conservation, physicochemical variation, residue mobility, and thermodynamic stability) performed at Invitae indicates that this missense variant is not expected to disrupt HARS protein function. This variant has not been reported in the literature in individuals affected with HARS-related conditions. This variant is not present in population databases (gnomAD no frequency). This sequence change replaces leucine, which is neutral and non-polar, with phenylalanine, which is neutral and non-polar, at codon 296 of the HARS protein (p.Leu296Phe).